The following is an entry in ClinVar:

NM_000535.7(PMS2):c.1050T>A (p.Leu350=)

Gene: PMS2 (PMS1 homolog 2, mismatch repair system component; minus strand). Cytogenetic location: 7p22.1.
Variant type: single nucleotide variant.
Coding change: c.1050T>A on transcript NM_000535.7 (MANE Select); coding-DNA position 1050, T replaced by A.
Protein change: p.Leu350=; no amino-acid change (leucine 350 retained).
Molecular consequence: synonymous variant. On other transcripts: non-coding transcript variant (1), intron variant (10).
Genome position (GRCh38, 1-based): chr7:5,989,894, A>T on the plus strand (T>A on the coding strand, the complement: PMS2 is on the minus strand). VCF-style: chr7-5989894-A-T. GRCh37 (hg19) VCF-style: chr7-6029525-A-T.
Other names: c.645T>A, p.Leu215= (NM_001018040.1, NM_001322003.2, NM_001322004.2 and 17 more transcripts); c.732T>A, p.Leu244= (NM_001322007.2, NM_001322008.2, NM_001406876.1 and 2 more transcripts); c.117T>A, p.Leu39= (NM_001322011.2, NM_001322012.2); c.477T>A, p.Leu159= (NM_001322013.2, NM_001406909.1); c.1050T>A, p.Leu350= (NM_001322014.2, NM_001406871.1, NM_001406872.1); c.741T>A, p.Leu247= (NM_001322015.2, NM_001406875.1, NM_001406877.1 and 5 more transcripts); c.1236T>A, p.Leu412= (NM_001406866.1); c.1074T>A, p.Leu358= (NM_001406868.1); and 13 more.
Identifiers: ClinVar variation 1777091 (VCV001777091.3), dbSNP rs2535932630, ClinGen allele CA453644182.

ClinVar aggregate classification (germline): Benign/Likely benign. Review status: criteria provided, multiple submitters, no conflicts (2 of 4 stars). 2 submissions from 2 submitters: Benign (1); Likely benign (1). Last evaluated 2025-01-29.

Conditions:
Hereditary cancer-predisposing syndrome. Also called: Neoplastic Syndromes, Hereditary; Tumor predisposition; Hereditary Cancer Syndrome; Hereditary neoplastic syndrome. Identifiers: Orphanet 140162, MedGen C0027672, MeSH D009386, MONDO:0015356.
Lynch syndrome 4 (LYNCH4). Also called: Colorectal cancer, hereditary nonpolyposis, type 4; Hereditary non-polyposis colorectal cancer, type 4. Identifiers: Orphanet 144, MedGen C1838333, MONDO:0013699, OMIM 614337. Disease mechanism: loss of function.

Submissions (2):

Myriad Genetics, Inc.
Classification: Benign for Lynch syndrome 4. Last evaluated: 2025-01-29. Review status: criteria provided, single submitter. Criteria: Myriad Autosomal Dominant, Autosomal Recessive and X-Linked Classification Criteria (2023). Collection method: clinical testing. Allele origin: unknown.
Comment: This variant is considered benign. This variant is a silent/synonymous amino acid change and it is not expected to impact splicing.

Ambry Genetics
Classification: Likely benign for Hereditary cancer-predisposing syndrome. Last evaluated: 2022-04-19. Review status: criteria provided, single submitter. Criteria: Ambry Variant Classification Scheme 2023. Collection method: clinical testing. Allele origin: germline.